The following is an entry in ClinVar:

ClinVar aggregate classification (germline): Pathogenic/Likely pathogenic. Review status: criteria provided, multiple submitters, no conflicts (2 of 4 stars). 9 submissions from 9 submitters: Pathogenic (3); Likely pathogenic (6). Last evaluated 2026-02-02.

Conditions:
Bardet-Biedl syndrome 13 (BBS13). Identifiers: Orphanet 110, MedGen C2673873, MONDO:0014441, OMIM 615990.
Joubert syndrome 28 (JBTS28). Identifiers: MedGen C4310705, MONDO:0014928, OMIM 617121.
Meckel syndrome, type 1 (MKS1). Also called: MECKEL-GRUBER SYNDROME, TYPE 1. Identifiers: Orphanet 564, MedGen C3714506, MONDO:0009571, OMIM 249000.
MKS1-related disorder. Also called: MKS1-related condition; MKS1-related disorders. Identifiers: MedGen CN239382.
Joubert syndrome. Also called: JOUBERT-BOLTSHAUSER SYNDROME; Familial aplasia of the vermis. Identifiers: Orphanet 475, MedGen C5979921, MONDO:0018772.
Meckel-Gruber syndrome. Also called: GRUBER SYNDROME; DYSENCEPHALIA SPLANCHNOCYSTICA; Dysencephalia splachnocystica. Identifiers: Orphanet 564, MedGen C0265215, MONDO:0018921.

Submissions (9):

Labcorp Genetics (formerly Invitae), Labcorp
Classification: Pathogenic for Joubert syndrome; Meckel-Gruber syndrome. Last evaluated: 2026-02-02. Review status: criteria provided, single submitter. Criteria: Invitae Variant Classification Sherloc (09022015). Collection method: clinical testing. Allele origin: germline.
Comment: This sequence change is expected to alter the c-terminus of the MKS1 protein (p.Glu471Glyfs*120). While this is not anticipated to result in nonsense mediated decay, it is expected to disrupt the last 89 amino acid(s) of the MKS1 protein and extend the protein by 30 additional amino acid residues. This variant is present in population databases (rs762668200, gnomAD 0.09%). This variant has not been reported in the literature in individuals affected with MKS1-related conditions. ClinVar contains an entry for this variant (Variation ID: 435876). This variant results in an extension of the MKS1 protein. Other variant(s) that result in a similarly extended protein product (p.Thr485Argfs*107) have been determined to be pathogenic (PMID: 17185389, 17397051). This suggests that these extensions are likely to be disease-causing. For these reasons, this variant has been classified as Pathogenic.

Natera, Inc.
Classification: Likely pathogenic for Meckel syndrome type 1. Last evaluated: 2025-10-10. Review status: criteria provided, single submitter. Criteria: Natera Variant Classification Schema (03/2026). Collection method: clinical testing. Allele origin: germline.
Comment: The c.1411dupG variant in MKS1 is a frameshift variant predicted to elongate the protein beyond the termination codon. This variant is expected to result in nonsense mediated decay, truncation, or a dysfunctional protein product. This variant is rare in the general population with a frequency below the threshold expected for the associated phenotype(s). Given the available evidence, this variant is classified as Likely Pathogenic.

Women's Health and Genetics/Laboratory Corporation of America, LabCorp
Classification: Pathogenic for Meckel syndrome, type 1. Last evaluated: 2025-06-16. Review status: criteria provided, single submitter. Criteria: LabCorp Variant Classification Summary - May 2015. Collection method: clinical testing. Allele origin: germline.
Comment: Variant summary: MKS1 c.1411dupG (p.Glu471GlyfsX120) causes a frameshift which results in an extension of the protein. The variant allele was found at a frequency of 6.5e-05 in 247054 control chromosomes. This frequency is not significantly higher than estimated for a pathogenic variant in MKS1 causing Meckel Syndrome Type 1 (6.5e-05 vs 0.0011), allowing no conclusion about variant significance. c.1411dupG has been observed in individual(s) affected with Meckel Syndrome Type 1 (Qin_2023). These report(s) do not provide unequivocal conclusions about association of the variant with Meckel Syndrome Type 1. To our knowledge, no experimental evidence demonstrating an impact on protein function has been reported. A downstream extension variant with the same reading frame has been classified as pathogenic in ClinVar (c.1450_1453dup, p.Thr485Argfs*107) providing evidence that the extension is likely to affect protein function. The following publications have been ascertained in the context of this evaluation (PMID: 37880672, 38039006). ClinVar contains an entry for this variant (Variation ID: 435876). Based on the evidence outlined above, the variant was classified as pathogenic.

Blueprint Genetics
Classification: Likely pathogenic for MKS1-related disorders. Last evaluated: 2024-11-08. Review status: criteria provided, single submitter. Criteria: ACMG Guidelines, 2015. Collection method: clinical testing. Allele origin: germline. Affected: yes. Observed: 5 variant alleles.

Baylor Genetics
Classification: Likely pathogenic for Bardet-Biedl syndrome 13. Last evaluated: 2024-03-26. Review status: criteria provided, single submitter. Criteria: ACMG Guidelines, 2015. Collection method: clinical testing. Allele origin: unknown.

Fulgent Genetics
Classification: Likely pathogenic for Meckel syndrome, type 1; Bardet-Biedl syndrome 13; Joubert syndrome 28. Last evaluated: 2024-03-11. Review status: criteria provided, single submitter. Criteria: ACMG Guidelines, 2015. Collection method: clinical testing. Allele origin: germline.

Medical Genetics Center, Maternal and Child Health Hospital of Hubei Province
Classification: Likely pathogenic for Meckel syndrome, type 1. Last evaluated: 2021-03-19. Review status: criteria provided, single submitter. Criteria: ACMG Guidelines, 2015. Collection method: clinical testing. Allele origin: maternal. Affected: yes.

Genetic Services Laboratory, University of Chicago
Classification: Pathogenic for Meckel syndrome 1. Last evaluated: 2016-05-19. Review status: criteria provided, single submitter. Criteria: ACMG Guidelines, 2015. Collection method: clinical testing. Allele origin: germline. Affected: yes.

Juno Genomics, Hangzhou Juno Genomics, Inc
Classification: Likely pathogenic for Bardet-Biedl syndrome 13; Joubert syndrome 28; Meckel syndrome, type 1. Review status: criteria provided, single submitter. Criteria: ACMG Guidelines, 2015. Collection method: clinical testing. Allele origin: germline.
Comment: Absent from controls (or at extremely low frequency if recessive) in Genome Aggregation Database.;Null variant in a gene where loss of function (LOF) is a known mechanism of disease.

Literature cited by the submitters: PubMed 17185389 (cited by Labcorp Genetics (formerly Invitae), Labcorp); PubMed 17397051 (cited by Labcorp Genetics (formerly Invitae), Labcorp); PubMed 37880672 (cited by Women's Health and Genetics/Laboratory Corporation of America, LabCorp); PubMed 38039006 (cited by Women's Health and Genetics/Laboratory Corporation of America, LabCorp).

NM_017777.4(MKS1):c.1408-1dup

Gene: MKS1 (MKS transition zone complex subunit 1; minus strand). Cytogenetic location: 17q22.
Variant type: Duplication.
Coding change: c.1408-1dup on transcript NM_017777.4 (MANE Select); the canonical splice acceptor site of the intron before coding-DNA position 1408, one base duplicated (G; older notation c.1408-1dupG).
Molecular consequence: splice acceptor variant. On other transcripts: intron variant (2).
Genome position (GRCh38, 1-based): chr17:58,206,544, C duplicated on the plus strand (G on the coding strand, the reverse complement: MKS1 is on the minus strand); the first of 5 consecutive C bases (chr17:58,206,544-58,206,548); duplicating any one gives the same sequence. VCF-style (leftmost placement, unchanged base first): chr17-58206543-T-TC. GRCh37 (hg19) VCF-style: chr17-56283904-T-TC.
Other names: c.1411dupG (NM_017777.3, NM_017777.4); c.799-1dup (NM_001321268.2); c.1274-168dup (NM_001330397.2); c.1408-168dup (NM_001321269.2); c.1411dup (NM_017777.4).
Identifiers: ClinVar variation 435876 (VCV000435876.24), dbSNP rs762668200, ClinGen allele CA8669130.